The following is an entry in ClinVar:

NM_001267550.2(TTN):c.54248del (p.Tyr18083fs)

Genes: TTN (titin; minus strand), TTN-AS1 (TTN antisense RNA 1; plus strand). Cytogenetic location: 2q31.2.
Variant type: Deletion.
Coding change: c.54248del on transcript NM_001267550.2 (MANE Select); coding-DNA position 54248, one base deleted (A; older notation c.54248delA).
Protein change: p.Tyr18083fs; shifts the reading frame from tyrosine 18083.
Molecular consequence: frameshift variant. On other transcripts: non-coding transcript variant (1).
Genome position (GRCh38, 1-based): chr2:178,604,841, T deleted on the plus strand (A on the coding strand, the reverse complement: TTN is on the minus strand). VCF-style (leftmost placement, unchanged base first): chr2-178604840-GT-G. GRCh37 (hg19) VCF-style: chr2-179469567-GT-G.
Other names: c.49325del, p.Tyr16442fs (NM_001256850.1); c.27053del, p.Tyr9018fs (NM_003319.4); c.46544del, p.Tyr15515fs (NM_133378.4); c.27428del, p.Tyr9143fs (NM_133432.3); c.27629del, p.Tyr9210fs (NM_133437.4); c.27053delA (NM_003319.4); short protein forms Y15515fs, Y9143fs, Y16442fs, Y9018fs, Y18083fs, Y9210fs.
Identifiers: ClinVar variation 4615295 (VCV004615295.1).

ClinVar aggregate classification (germline): Likely pathogenic (1 of 4 stars; one submission).

Conditions:
Cardiovascular phenotype. Identifiers: MedGen CN230736.

Submission:

Ambry Genetics
Classification: Likely pathogenic for Cardiovascular phenotype. Last evaluated: 2025-09-15. Review status: criteria provided, single submitter. Criteria: Ambry Variant Classification Scheme 2023. Collection method: clinical testing. Allele origin: germline.
Comment: The c.27053delA variant, located in coding exon 108 of the TTN gene, results from a deletion of one nucleotide at nucleotide position 27053, causing a translational frameshift with a predicted alternate stop codon (p.Y9018Sfs*2). This exon is located in the A-band region of the N2-B isoform of the titin protein and is constitutively expressed in TTN transcripts (percent spliced in or PSI 100%). This variant was reported in individual(s) with features consistent with dilated cardiomyopathy (Ambry internal data). This variant is considered to be rare based on population cohorts in the Genome Aggregation Database (gnomAD). This variant is expected to result in loss of function by premature protein truncation or nonsense-mediated mRNA decay. While truncating variants in TTN are present in 1-3% of the general population, truncating variants in the A-band are the most common cause of dilated cardiomyopathy (Herman DS et al. N. Engl. J. Med., 2012 Feb;366:619-28; Roberts AM et al. Sci Transl Med, 2015 Jan;7:270ra6). TTN truncating variants encoded in constitutive exons (PSI >90%) have been found to be significantly associated with DCM regardless of their position in titin (Schafer S et al. Nat. Genet., 2017 01;49:46-53; Akhtar MM et al. Circ Heart Fail, 2020 Oct;13:e006832; Massier M et al. Clin Genet, 2025 Jan). Based on the majority of available evidence to date, this variant is likely to be pathogenic.